The following is an entry in ClinVar:

ClinVar aggregate classification (germline): Uncertain significance. Review status: criteria provided, multiple submitters, no conflicts (2 of 4 stars). 5 submissions from 5 submitters: Uncertain significance (3). 2 of the submissions do not count toward it. Last evaluated 2025-05-01.

Conditions:
Inborn genetic diseases. Identifiers: MedGen C0950123, MeSH D030342.

Allele frequency attached by ClinVar (database versions not stated): gnomAD 0.00003 and 0.00002; gnomAD exomes 0.00002 and 0.00003; TOPMed 0.00002; ExAC 0.00002.
gnomAD v4.1: 45 of 1,606,664 alleles (0.0028%); highest among the groups gnomAD compares: Middle Eastern, 0.017%; no homozygotes.

Submissions (5):

Ambry Genetics
Classification: Uncertain significance for Inborn genetic diseases. Last evaluated: 2025-05-01. Review status: criteria provided, single submitter. Criteria: Ambry Variant Classification Scheme 2023. Collection method: clinical testing. Allele origin: germline.

Labcorp Genetics (formerly Invitae), Labcorp
Classification: Uncertain significance. Last evaluated: 2022-08-07. Review status: criteria provided, single submitter. Criteria: Invitae Variant Classification Sherloc (09022015). Collection method: clinical testing. Allele origin: germline.
Comment: This sequence change replaces asparagine, which is neutral and polar, with serine, which is neutral and polar, at codon 3059 of the VPS13A protein (p.Asn3059Ser). This variant is present in population databases (rs768641511, gnomAD 0.004%). This variant has not been reported in the literature in individuals affected with VPS13A-related conditions. ClinVar contains an entry for this variant (Variation ID: 1209995). Algorithms developed to predict the effect of missense changes on protein structure and function (SIFT, PolyPhen-2, Align-GVGD) all suggest that this variant is likely to be tolerated. In summary, the available evidence is currently insufficient to determine the role of this variant in disease. Therefore, it has been classified as a Variant of Uncertain Significance.

GeneDx
Classification: Uncertain significance. Last evaluated: 2020-03-02. Review status: criteria provided, single submitter. Criteria: GeneDx Variant Classification Process June 2021. Collection method: clinical testing. Allele origin: germline. Affected: yes.
Comment: Not observed at a significant frequency in large population cohorts (Lek et al., 2016); In silico analysis supports that this missense variant does not alter protein structure/function; Has not been previously published as pathogenic or benign to our knowledge

Clinical Genetics DNA and cytogenetics Diagnostics Lab, Erasmus MC, Erasmus Medical Center
Classification: Likely benign. Review status: no assertion criteria provided. Collection method: clinical testing. Allele origin: germline. Affected: yes. Study: VKGL Data-share Consensus. Not counted in ClinVar's aggregate classification.

Genome Diagnostics Laboratory, Amsterdam University Medical Center
Classification: Likely benign. Review status: no assertion criteria provided. Collection method: clinical testing. Allele origin: germline. Affected: yes. Study: VKGL Data-share Consensus. Not counted in ClinVar's aggregate classification.

NM_033305.3(VPS13A):c.9176A>G (p.Asn3059Ser)

Gene: VPS13A (vacuolar protein sorting 13 homolog A; plus strand). Cytogenetic location: 9q21.2.
Variant type: single nucleotide variant.
Coding change: c.9176A>G on transcript NM_033305.3 (MANE Select); coding-DNA position 9176, A replaced by G.
Protein change: p.Asn3059Ser; replaces asparagine 3059 with serine.
Molecular consequence: missense variant.
Genome position (GRCh38, 1-based): chr9:77,382,074, A>G. VCF-style: chr9-77382074-A-G. GRCh37 (hg19) VCF-style: chr9-79996990-A-G.
Other names: c.9059A>G, p.Asn3020Ser (NM_001018037.2); c.9176A>G, p.Asn3059Ser (NM_001018038.3, NM_015186.4); short protein forms N3020S, N3059S.
Identifiers: ClinVar variation 1209995 (VCV001209995.7), dbSNP rs768641511, ClinGen allele CA5093883.